The following is an entry in ClinVar:

ClinVar aggregate classification (germline): Uncertain significance. Review status: reviewed by expert panel (3 of 4 stars). 2 submissions from 2 submitters: Uncertain significance (1). 1 of the submissions does not count toward it. Last evaluated 2024-03-15.

Conditions:
Telangiectasia, hereditary hemorrhagic, type 2 (HHT2). Also called: ACVRL1-Related Hereditary Hemorrhagic Telangiectasia; Telangiectasia, hereditary hemorrhagic, type II. Identifiers: Orphanet 774, MedGen C1838163, MONDO:0010880, OMIM 600376. Disease mechanism: loss of function.

Allele frequency attached by ClinVar (database versions not stated): gnomAD 0.00001; TOPMed 0.00001; gnomAD exomes 0.00003.
gnomAD v4.1: 45 of 1,606,510 alleles (0.0028%); highest among the groups gnomAD compares: Non-Finnish European, 0.0037%; no homozygotes.

Submissions (2):

ClinGen Hereditary Hemorrhagic Telangiectasia Variant Curation Expert Panel, ClinGen
Classification: Uncertain significance for Telangiectasia, hereditary hemorrhagic, type 2. Last evaluated: 2024-03-15. Review status: reviewed by expert panel. Criteria: ClinGen HHT ACMG Specifications ACVRL1 V1.1.0. Collection method: curation. Allele origin: germline. Inheritance: Autosomal dominant inheritance.
Comment: The NM_000020.3: c.113G>A variant in ACVRL1 is a missense variant predicted to cause substitution of serine by asparagine at amino acid 38 (p.Ser38Asn). The highest population minor allele frequency in gnomAD v2.1.1 is 0.00002814 (3/106620 alleles) in European (non-Finnish) population, which is lower than the ClinGen Hereditary Hemorrhagic Telangiectasia VCEP threshold (<0.00004, or <6 total alleles) for PM2_Supporting, meeting this criterion (PM2_Supporting). The computational predictor REVEL gives a score of 0.321, which is neither above nor below the thresholds predicting a damaging or benign impact on ACVRL1 function. In summary, this variant meets the criteria to be classified as a variant of uncertain significance for autosomal dominant hereditary hemorrhagic telangiectasia based on the ACMG/AMP criteria applied, as specified by the ClinGen Hereditary Hemorrhagic Telangiectasia Variant Curation Expert Panel: PM2_Supporting (specification version 1.0.0; 1/04/2024).

Labcorp Genetics (formerly Invitae), Labcorp
Classification: Uncertain significance for Telangiectasia, hereditary hemorrhagic, type 2. Last evaluated: 2025-12-01. Review status: criteria provided, single submitter. Criteria: Invitae Variant Classification Sherloc (09022015). Collection method: clinical testing. Allele origin: germline. Not counted in ClinVar's aggregate classification.
Comment: This sequence change replaces serine, which is neutral and polar, with asparagine, which is neutral and polar, at codon 38 of the ACVRL1 protein (p.Ser38Asn). This variant is present in population databases (no rsID available, gnomAD 0.003%). This variant has not been reported in the literature in individuals affected with ACVRL1-related conditions. ClinVar contains an entry for this variant (Variation ID: 1948619). An algorithm developed to predict the effect of missense changes on protein structure and function outputs the following: PolyPhen-2: "Benign". The asparagine amino acid residue is found in multiple mammalian species, which suggests that this missense change does not adversely affect protein function. In summary, the available evidence is currently insufficient to determine the role of this variant in disease. Therefore, it has been classified as a Variant of Uncertain Significance.

NM_000020.3(ACVRL1):c.113G>A (p.Ser38Asn)

Gene: ACVRL1 (activin A receptor like type 1; plus strand). Cytogenetic location: 12q13.13.
Variant type: single nucleotide variant.
Coding change: c.113G>A on transcript NM_000020.3 (MANE Select); coding-DNA position 113, G replaced by A.
Protein change: p.Ser38Asn; replaces serine 38 with asparagine.
Molecular consequence: missense variant.
Genome position (GRCh38, 1-based): chr12:51,913,150, G>A. VCF-style: chr12-51913150-G-A. GRCh37 (hg19) VCF-style: chr12-52306934-G-A.
Other names: NM_000020.3(ACVRL1):c.113G>A; p.Ser38Asn; c.113G>A, p.Ser38Asn (NM_001077401.2, NM_001406487.1, NM_001406488.1 and 6 more transcripts); short protein forms S38N.
Identifiers: ClinVar variation 1948619 (VCV001948619.5), dbSNP rs1257219446, ClinGen allele CA384897562.